The following is an entry in ClinVar:

ClinVar aggregate classification (germline): Uncertain significance (1 of 4 stars; one submission).

Conditions:
Diamond-Blackfan anemia. Also called: Blackfan Diamond syndrome; Aregenerative anemia chronic congenital; Red cell aplasia, pure hereditary; Congenital hypoplastic anemia; Aase syndrome. Identifiers: Orphanet 124, MedGen C1260899, MeSH D029503, MONDO:0015253, HP:0004810.
GATA binding protein 1 related thrombocytopenia with dyserythropoiesis. Also called: GATA1-Related X-Linked Cytopenia; GATA1-Related Cytopenia. Identifiers: MedGen C1845837, MONDO:0100089.

Allele frequency attached by ClinVar (database versions not stated): TOPMed below 0.00001; gnomAD exomes 0.00001.
gnomAD v4.1: 8 of 1,210,883 alleles (0.00066%); highest among the groups gnomAD compares: Non-Finnish European, 0.00067%; no homozygotes.

Submission:

Labcorp Genetics (formerly Invitae), Labcorp
Classification: Uncertain significance for GATA binding protein 1 related thrombocytopenia with dyserythropoiesis; Diamond-Blackfan anemia. Last evaluated: 2022-12-06. Review status: criteria provided, single submitter. Criteria: Invitae Variant Classification Sherloc (09022015). Collection method: clinical testing. Allele origin: germline.
Comment: In summary, the available evidence is currently insufficient to determine the role of this variant in disease. Therefore, it has been classified as a Variant of Uncertain Significance. Advanced modeling of protein sequence and biophysical properties (such as structural, functional, and spatial information, amino acid conservation, physicochemical variation, residue mobility, and thermodynamic stability) performed at Invitae indicates that this missense variant is not expected to disrupt GATA1 protein function. ClinVar contains an entry for this variant (Variation ID: 1043253). This variant has not been reported in the literature in individuals affected with GATA1-related conditions. This variant is not present in population databases (gnomAD no frequency). This sequence change replaces methionine, which is neutral and non-polar, with leucine, which is neutral and non-polar, at codon 297 of the GATA1 protein (p.Met297Leu).

NM_002049.4(GATA1):c.889A>T (p.Met297Leu)

Gene: GATA1 (GATA binding protein 1; plus strand). Cytogenetic location: Xp11.23.
Variant type: single nucleotide variant.
Coding change: c.889A>T on transcript NM_002049.4 (MANE Select); coding-DNA position 889, A replaced by T.
Protein change: p.Met297Leu; replaces methionine 297 with leucine.
Molecular consequence: missense variant.
Genome position (GRCh38, 1-based): chrX:48,793,811, A>T. VCF-style: chrX-48793811-A-T. GRCh37 (hg19) VCF-style: chrX-48652218-A-T.
Other names: short protein forms M297L.
Identifiers: ClinVar variation 1043253 (VCV001043253.9), dbSNP rs1569499699, ClinGen allele CA412871500.